The following is an entry in ClinVar:

ClinVar aggregate classification (germline): Pathogenic (1 of 4 stars; one submission).

Conditions:
Myofibrillar myopathy 5. Also called: FILAMINOPATHY, AUTOSOMAL DOMINANT; Filaminopathy (type). Identifiers: Orphanet 171445, MedGen C1836050, MONDO:0012289, OMIM 609524.
Hypertrophic cardiomyopathy 26. Also called: Cardiomyopathy, familial hypertrophic, 26. Identifiers: Orphanet 75249, MedGen C4310749, MONDO:0014883, OMIM 617047.
Distal myopathy with posterior leg and anterior hand involvement. Also called: WILLIAMS DISTAL MYOPATHY. Identifiers: Orphanet 63273, MedGen C3279722, MONDO:0013550, OMIM 614065.

Submission:

Labcorp Genetics (formerly Invitae), Labcorp
Classification: Pathogenic for Distal myopathy with posterior leg and anterior hand involvement; Myofibrillar myopathy 5; Hypertrophic cardiomyopathy 26. Last evaluated: 2025-07-08. Review status: criteria provided, single submitter. Criteria: Invitae Variant Classification Sherloc (09022015). Collection method: clinical testing. Allele origin: germline.
Comment: This sequence change creates a premature translational stop signal (p.Arg2437Profs*5) in the FLNC gene. It is expected to result in an absent or disrupted protein product. Loss-of-function variants in FLNC are known to be pathogenic (PMID: 27908349). This variant is not present in population databases (gnomAD no frequency). This variant has not been reported in the literature in individuals affected with FLNC-related conditions. ClinVar contains an entry for this variant (Variation ID: 1434212). For these reasons, this variant has been classified as Pathogenic.

Literature cited by the submitters: PubMed 27908349.

NM_001458.5(FLNC):c.7309dup (p.Arg2437fs)

Genes: FLNC (filamin C; plus strand), FLNC-AS1 (FLNC antisense RNA 1; minus strand). Cytogenetic location: 7q32.1.
Variant type: Duplication.
Coding change: c.7309dup on transcript NM_001458.5 (MANE Select); coding-DNA position 7309, one base duplicated (C; older notation c.7309dupC).
Protein change: p.Arg2437fs; shifts the reading frame from arginine 2437.
Molecular consequence: frameshift variant.
Genome position (GRCh38, 1-based): chr7:128,856,575, C duplicated; the last of 3 consecutive C bases (chr7:128,856,573-128,856,575); duplicating any one gives the same sequence. VCF-style (leftmost placement, unchanged base first): chr7-128856572-G-GC. GRCh37 (hg19) VCF-style: chr7-128496626-G-GC.
Other names: c.7210dup, p.Arg2404fs (NM_001127487.2); short protein forms R2404fs, R2437fs.
Identifiers: ClinVar variation 1434212 (VCV001434212.6), dbSNP rs2128940130, ClinGen allele CA2573141630.